The following is an entry in ClinVar:

NM_000465.4(BARD1):c.1388C>T (p.Thr463Ile)

Gene: BARD1 (BRCA1 associated RING domain 1; minus strand). Cytogenetic location: 2q35.
Variant type: single nucleotide variant.
Coding change: c.1388C>T on transcript NM_000465.4 (MANE Select); coding-DNA position 1388, C replaced by T.
Protein change: p.Thr463Ile; replaces threonine 463 with isoleucine.
Molecular consequence: missense variant. On other transcripts: non-coding transcript variant (3), intron variant (3).
Genome position (GRCh38, 1-based): chr2:214,769,239, G>A on the plus strand (C>T on the coding strand, the complement: BARD1 is on the minus strand). VCF-style: chr2-214769239-G-A. GRCh37 (hg19) VCF-style: chr2-215633963-G-A.
Other names: c.1388C>T (NM_000465.2); c.1331C>T, p.Thr444Ile (NM_001282543.2); c.159-16684C>T (NM_001282548.2); c.216-16684C>T (NM_001282545.2); c.364+23058C>T (NM_001282549.2); short protein forms T463I, T444I.
Identifiers: ClinVar variation 460703 (VCV000460703.21), dbSNP rs957472472, ClinGen allele CA64781029.

ClinVar aggregate classification (germline): Uncertain significance. Review status: criteria provided, multiple submitters, no conflicts (2 of 4 stars). 5 submissions from 5 submitters: Uncertain significance (5). Last evaluated 2025-03-04.

Conditions:
Hereditary cancer-predisposing syndrome. Also called: Neoplastic Syndromes, Hereditary; Tumor predisposition; Hereditary Cancer Syndrome; Hereditary neoplastic syndrome. Identifiers: Orphanet 140162, MedGen C0027672, MeSH D009386, MONDO:0015356.
Familial cancer of breast. Also called: BREAST CANCER, FAMILIAL; hereditary breast carcinoma; Hereditary breast cancer. Identifiers: Orphanet 227535, MedGen C0346153, MONDO:0016419, OMIM 114480. Disease mechanism: loss of function.

Allele frequency attached by ClinVar (database versions not stated): gnomAD exomes below 0.00001 and 0.00001; TOPMed below 0.00001.
gnomAD v4.1: 13 of 1,611,062 alleles (0.00081%); highest among the groups gnomAD compares: Non-Finnish European, 0.001%; no homozygotes.

Submissions (5):

Labcorp Genetics (formerly Invitae), Labcorp
Classification: Uncertain significance for Familial cancer of breast. Last evaluated: 2025-03-04. Review status: criteria provided, single submitter. Criteria: Invitae Variant Classification Sherloc (09022015). Collection method: clinical testing. Allele origin: germline.
Comment: This sequence change replaces threonine, which is neutral and polar, with isoleucine, which is neutral and non-polar, at codon 463 of the BARD1 protein (p.Thr463Ile). This variant is present in population databases (no rsID available, gnomAD 0.0009%). This missense change has been observed in individual(s) with BARD1-related conditions (PMID: 26315354, 34326862). ClinVar contains an entry for this variant (Variation ID: 460703). An algorithm developed to predict the effect of missense changes on protein structure and function (PolyPhen-2) suggests that this variant is likely to be disruptive. In summary, the available evidence is currently insufficient to determine the role of this variant in disease. Therefore, it has been classified as a Variant of Uncertain Significance.

Color Diagnostics, LLC DBA Color Health
Classification: Uncertain significance for Hereditary cancer-predisposing syndrome. Last evaluated: 2025-02-03. Review status: criteria provided, single submitter. Criteria: ACMG Guidelines, 2015. Collection method: clinical testing. Allele origin: germline.
Comment: This missense variant replaces threonine with isoleucine at codon 463 of the BARD1 protein. Computational prediction suggests that this variant may have deleterious impact on protein structure and function. To our knowledge, functional studies have not been reported for this variant. This variant has been reported in individuals affected with ovarian cancer (PMID: 26315354) and breast cancer (PMID: 34326862). This variant has been identified in 1/251308 chromosomes in the general population by the Genome Aggregation Database (gnomAD). The available evidence is insufficient to determine the role of this variant in disease conclusively. Therefore, this variant is classified as a Variant of Uncertain Significance.

Ambry Genetics
Classification: Uncertain significance for Hereditary cancer-predisposing syndrome. Last evaluated: 2024-10-14. Review status: criteria provided, single submitter. Criteria: Ambry Variant Classification Scheme 2023. Collection method: clinical testing. Allele origin: germline.
Comment: The p.T463I variant (also known as c.1388C>T), located in coding exon 5 of the BARD1 gene, results from a C to T substitution at nucleotide position 1388. The threonine at codon 463 is replaced by isoleucine, an amino acid with similar properties. This alteration has been identified in individuals diagnosed with breast and/or ovarian cancer (Ramus SJ et al. J Natl Cancer Inst, 2015 Nov;107:; Bhai P et al. Front Genet, 2021 Jul;12:698595). This amino acid position is highly conserved in available vertebrate species. In addition, this alteration is predicted to be deleterious by in silico analysis. Based on the available evidence, the clinical significance of this variant remains unclear.

Baylor Genetics
Classification: Uncertain significance for Familial cancer of breast. Last evaluated: 2023-09-21. Review status: criteria provided, single submitter. Criteria: ACMG Guidelines, 2015. Collection method: clinical testing. Allele origin: unknown.

Quest Diagnostics Nichols Institute San Juan Capistrano
Classification: Uncertain significance. Last evaluated: 2017-11-17. Review status: criteria provided, single submitter. Criteria: Quest Diagnostics criteria. Collection method: clinical testing. Allele origin: germline.

Literature cited by the submitters: PubMed 26315354 (cited by 3 submitters); PubMed 34326862 (cited by 3 submitters).